The following is an entry in ClinVar:

NM_001365480.1(CCDC88A):c.944T>C (p.Leu315Pro)

Gene: CCDC88A (coiled-coil and HOOK domain protein 88A; minus strand). Cytogenetic location: 2p16.1.
Variant type: single nucleotide variant.
Coding change: c.944T>C on transcript NM_001365480.1 (MANE Select); coding-DNA position 944, T replaced by C.
Protein change: p.Leu315Pro; replaces leucine 315 with proline.
Molecular consequence: missense variant.
Genome position (GRCh38, 1-based): chr2:55,346,272, A>G on the plus strand (T>C on the coding strand, the complement: CCDC88A is on the minus strand). VCF-style: chr2-55346272-A-G. GRCh37 (hg19) VCF-style: chr2-55573408-A-G.
Other names: c.944T>C, p.Leu315Pro (NM_001135597.2, NM_001254943.2, NM_018084.5); short protein forms L315P.
Identifiers: ClinVar variation 1360531 (VCV001360531.8), dbSNP rs2104730156, ClinGen allele CA346907093.
Genomic context (GRCh38, chr2:55,346,272, plus strand): 5'-CTCTCTTTATATCTGCTGACTTCACTTTCAAGCTTATCGACTCTGACTGCTTTCTCTCGA[A>G]GTGCATCTAATTCATCTCGGTACATTCTGGCAGAGCGAGCATCCGAAAGCAAATTCATGT-3'
Protein context (NP_001352409.1, residues 305-325): ARMYRDELDA[Leu315Pro]REKAVRVDKL

ClinVar aggregate classification (germline): Uncertain significance (1 of 4 stars; one submission).

Submission:

Labcorp Genetics (formerly Invitae), Labcorp
Classification: Uncertain significance. Last evaluated: 2022-07-12. Review status: criteria provided, single submitter. Criteria: Invitae Variant Classification Sherloc (09022015). Collection method: clinical testing. Allele origin: germline.
Comment: ClinVar contains an entry for this variant (Variation ID: 1360531). This sequence change replaces leucine, which is neutral and non-polar, with proline, which is neutral and non-polar, at codon 315 of the CCDC88A protein (p.Leu315Pro). This variant is not present in population databases (gnomAD no frequency). This variant has not been reported in the literature in individuals affected with CCDC88A-related conditions. Algorithms developed to predict the effect of missense changes on protein structure and function are either unavailable or do not agree on the potential impact of this missense change (SIFT: "Deleterious"; PolyPhen-2: "Probably Damaging"; Align-GVGD: "Class C0"). In summary, the available evidence is currently insufficient to determine the role of this variant in disease. Therefore, it has been classified as a Variant of Uncertain Significance.